The following is an entry in ClinVar:

ClinVar aggregate classification (germline): Pathogenic (1 of 4 stars; one submission).

Conditions:
DICER1-related tumor predisposition. Also called: DICER1-related pleuropulmonary blastoma cancer predisposition syndrome; DICER1 syndrome. Identifiers: Orphanet 284343, MedGen C3839822, MONDO:0100216.

Submission:

Foulkes Cancer Genetics LDI, Lady Davis Institute for Medical Research
Classification: Pathogenic for Pleuropulmonary blastoma. Last evaluated: 2019-07-01. Review status: criteria provided, single submitter. Criteria: ACMG Guidelines, 2015. Collection method: curation. Allele origin: germline. Affected: yes. Observed: 1 variant allele.
Comment: ACMG criteria met: PVS1, PM2, PP4

Literature cited by the submitters: PubMed 24481001.

NM_177438.3(DICER1):c.2448dup (p.Pro817fs)

Gene: DICER1 (dicer 1, ribonuclease III; minus strand). Cytogenetic location: 14q32.13.
Variant type: Duplication.
Coding change: c.2448dup on transcript NM_177438.3 (MANE Select); coding-DNA position 2448, one base duplicated (T; older notation c.2448dupT).
Protein change: p.Pro817fs; shifts the reading frame from proline 817.
Molecular consequence: frameshift variant.
Genome position (GRCh38, 1-based): chr14:95,108,082, A duplicated on the plus strand (T on the coding strand, the reverse complement: DICER1 is on the minus strand); the first of 3 consecutive A bases (chr14:95,108,082-95,108,084); duplicating any one gives the same sequence. VCF-style (leftmost placement, unchanged base first): chr14-95108081-G-GA. GRCh37 (hg19) VCF-style: chr14-95574418-G-GA.
Other names: c.2448dup, p.Pro817fs (NM_001195573.1, NM_001271282.3, NM_001291628.2 and 1 more transcripts); short protein forms P817fs.
Identifiers: ClinVar variation 933016 (VCV000933016.3), dbSNP rs1891614679, ClinGen allele CA1139663658.